The following is an entry in ClinVar:

ClinVar aggregate classification (germline): Uncertain significance (1 of 4 stars; one submission).

Conditions:
Cerebellar-facial-dental syndrome. Also called: Cerebellofaciodental syndrome. Identifiers: Orphanet 444072, MedGen C4015495, MONDO:0014529, OMIM 616202.

gnomAD v4.1: 1 of 1,611,722 alleles (0.000062%); highest among the groups gnomAD compares: African/African-American, 0.0013%; no homozygotes.

Submission:

Laboratorio de Genetica e Diagnostico Molecular, Hospital Israelita Albert Einstein
Classification: Uncertain significance for Cerebellar-facial-dental syndrome. Last evaluated: 2024-09-25. Review status: criteria provided, single submitter. Criteria: ACMG Guidelines, 2015. Collection method: clinical testing. Allele origin: germline. Affected: yes.
Comment: ACMG classification criteria: PM2 supporting, BP4 supporting

NM_001519.4(BRF1):c.1186G>A (p.Ala396Thr)

Gene: BRF1 (BRF1 general transcription factor IIIB subunit; minus strand). Cytogenetic location: 14q32.33.
Variant type: single nucleotide variant.
Coding change: c.1186G>A on transcript NM_001519.4 (MANE Select); coding-DNA position 1186, G replaced by A.
Protein change: p.Ala396Thr; replaces alanine 396 with threonine.
Molecular consequence: missense variant.
Genome position (GRCh38, 1-based): chr14:105,221,777, C>T on the plus strand (G>A on the coding strand, the complement: BRF1 is on the minus strand). VCF-style: chr14-105221777-C-T. GRCh37 (hg19) VCF-style: chr14-105688114-C-T.
Other names: c.841G>A, p.Ala281Thr (NM_001242786.2, NM_001242787.2); c.1105G>A, p.Ala369Thr (NM_001242788.2); c.472G>A, p.Ala158Thr (NM_001242789.2); c.574G>A, p.Ala192Thr (NM_145685.3); short protein forms A158T, A192T, A281T, A369T, A396T.
Identifiers: ClinVar variation 3901959 (VCV003901959.1).
Genomic context (GRCh38, chr14:105,221,777, plus strand): 5'-GGAGGGGGTCCAGCAGGGACCCCAGGGCCGGAGGTCTGCCGCCCCACTCGGGGCTTCCTG[C>T]TGCTTCCGAGCTGCCGGGGGCACCACCAAGGAGCTCCCGGTATAAGTCTTTGTTCAGGTG-3'
Protein context (NP_001510.2, residues 386-406): LGGAPGSSEA[Ala396Thr]GSPEWGGRPP